The following is an entry in ClinVar:

NM_001130987.2(DYSF):c.577G>A (p.Glu193Lys)

Gene: DYSF (dysferlin; plus strand). Cytogenetic location: 2p13.2.
Variant type: single nucleotide variant.
Coding change: c.577G>A on transcript NM_001130987.2 (MANE Select); coding-DNA position 577, G replaced by A.
Protein change: p.Glu193Lys; replaces glutamic acid 193 with lysine.
Molecular consequence: missense variant.
Genome position (GRCh38, 1-based): chr2:71,513,739, G>A. VCF-style: chr2-71513739-G-A. GRCh37 (hg19) VCF-style: chr2-71740869-G-A.
Other names: c.484G>A, p.Glu162Lys (NM_001130455.2, NM_001130983.2, NM_001130984.2 and 1 more transcripts); c.481G>A, p.Glu161Lys (NM_001130976.2, NM_001130977.2, NM_001130978.2 and 1 more transcripts); c.574G>A, p.Glu192Lys (NM_001130979.2, NM_001130980.2, NM_001130981.2); c.577G>A, p.Glu193Lys (NM_001130982.2, NM_001130985.2); short protein forms E161K, E162K, E192K, E193K.
Identifiers: ClinVar variation 1012942 (VCV001012942.42), dbSNP rs763104746, ClinGen allele CA1705383.

ClinVar aggregate classification (germline): Uncertain significance. Review status: criteria provided, multiple submitters, no conflicts (2 of 4 stars). 4 submissions from 4 submitters: Uncertain significance (3). 1 of the submissions does not count toward it. Last evaluated 2023-10-09.

Conditions:
Neuromuscular disease caused by qualitative or quantitative defects of dysferlin. Also called: Dysferlinopathy; Qualitative or quantitative defects of dysferlin. Identifiers: Orphanet 207073, MedGen C2931687, MONDO:0016145.
Autosomal recessive limb-girdle muscular dystrophy type 2B (LGMDR2). Also called: MUSCULAR DYSTROPHY, LIMB-GIRDLE, AUTOSOMAL RECESSIVE 2; Limb-girdle muscular dystrophy, type 2B; Limb-Girdle Muscular Dystrophy Type 2B (LGMD2B); MUSCULAR DYSTROPHY, LIMB-GIRDLE, TYPE 3. Identifiers: Orphanet 268, MedGen C1850889, MONDO:0009676, OMIM 253601.

Allele frequency attached by ClinVar (database versions not stated): TOPMed below 0.00001; ExAC 0.00001; gnomAD exomes 0.00001 and 0.00003.
gnomAD v4.1: 48 of 1,614,120 alleles (0.003%); highest among the groups gnomAD compares: Non-Finnish European, 0.0039%; no homozygotes.

Submissions (4):

Revvity Omics, Revvity
Classification: Uncertain significance. Last evaluated: 2023-10-09. Review status: criteria provided, single submitter. Criteria: ACMG Guidelines, 2015. Collection method: clinical testing. Allele origin: germline.

Labcorp Genetics (formerly Invitae), Labcorp
Classification: Uncertain significance for Neuromuscular disease caused by qualitative or quantitative defects of dysferlin. Last evaluated: 2022-07-27. Review status: criteria provided, single submitter. Criteria: Invitae Variant Classification Sherloc (09022015). Collection method: clinical testing. Allele origin: germline.
Comment: This sequence change replaces glutamic acid, which is acidic and polar, with lysine, which is basic and polar, at codon 161 of the DYSF protein (p.Glu161Lys). This variant is present in population databases (rs763104746, gnomAD 0.003%). This variant has not been reported in the literature in individuals affected with DYSF-related conditions. ClinVar contains an entry for this variant (Variation ID: 1012942). Advanced modeling of protein sequence and biophysical properties (such as structural, functional, and spatial information, amino acid conservation, physicochemical variation, residue mobility, and thermodynamic stability) performed at Invitae indicates that this missense variant is not expected to disrupt DYSF protein function. In summary, the available evidence is currently insufficient to determine the role of this variant in disease. Therefore, it has been classified as a Variant of Uncertain Significance.

CeGaT Center for Human Genetics Tuebingen
Classification: Uncertain significance. Last evaluated: 2020-10-01. Review status: criteria provided, single submitter. Criteria: CeGaT Center For Human Genetics Tuebingen Variant Classification Criteria Version 2. Collection method: clinical testing. Allele origin: germline. Affected: yes. Observed: 2 variant alleles.

Natera, Inc.
Classification: Uncertain significance for Limb-girdle muscular dystrophy type 2B. Last evaluated: 2020-12-10. Review status: no assertion criteria provided. Collection method: clinical testing. Allele origin: germline. Not counted in ClinVar's aggregate classification.